The following is an entry in ClinVar:

ClinVar aggregate classification (germline): Uncertain significance. Review status: criteria provided, multiple submitters, no conflicts (2 of 4 stars). 3 submissions from 3 submitters: Uncertain significance (3). Last evaluated 2025-08-25.

Conditions:
Inborn genetic diseases. Identifiers: MedGen C0950123, MeSH D030342.
LAMA2-related muscular dystrophy (LAMA2-RD). Also called: Laminin alpha 2-related dystrophy. Identifiers: MedGen C5679788, MONDO:0100228.

Allele frequency attached by ClinVar (database versions not stated): gnomAD 0.00002; gnomAD exomes 0.00002; ExAC 0.00003; TOPMed 0.00003.
gnomAD v4.1: 19 of 1,613,856 alleles (0.0012%); highest among the groups gnomAD compares: Admixed American, 0.0017%; no homozygotes.

Submissions (3):

Ambry Genetics
Classification: Uncertain significance for Inborn genetic diseases. Last evaluated: 2025-08-25. Review status: criteria provided, single submitter. Criteria: Ambry Variant Classification Scheme 2023. Collection method: clinical testing. Allele origin: germline.

Labcorp Genetics (formerly Invitae), Labcorp
Classification: Uncertain significance for LAMA2-related muscular dystrophy. Last evaluated: 2025-06-17. Review status: criteria provided, single submitter. Criteria: Invitae Variant Classification Sherloc (09022015). Collection method: clinical testing. Allele origin: germline.
Comment: This sequence change replaces histidine, which is basic and polar, with proline, which is neutral and non-polar, at codon 1001 of the LAMA2 protein (p.His1001Pro). This variant is present in population databases (rs554956654, gnomAD 0.005%). This variant has not been reported in the literature in individuals affected with LAMA2-related conditions. ClinVar contains an entry for this variant (Variation ID: 1045147). Invitae Evidence Modeling of protein sequence and biophysical properties (such as structural, functional, and spatial information, amino acid conservation, physicochemical variation, residue mobility, and thermodynamic stability) indicates that this missense variant is not expected to disrupt LAMA2 protein function with a negative predictive value of 95%. In summary, the available evidence is currently insufficient to determine the role of this variant in disease. Therefore, it has been classified as a Variant of Uncertain Significance.

Revvity Omics, Revvity
Classification: Uncertain significance. Last evaluated: 2023-01-18. Review status: criteria provided, single submitter. Criteria: ACMG Guidelines, 2015. Collection method: clinical testing. Allele origin: germline.

NM_000426.4(LAMA2):c.3002A>C (p.His1001Pro)

Gene: LAMA2 (laminin subunit alpha 2; plus strand). Cytogenetic location: 6q22.33.
Variant type: single nucleotide variant.
Coding change: c.3002A>C on transcript NM_000426.4 (MANE Select); coding-DNA position 3002, A replaced by C.
Protein change: p.His1001Pro; replaces histidine 1001 with proline.
Molecular consequence: missense variant.
Genome position (GRCh38, 1-based): chr6:129,297,830, A>C. VCF-style: chr6-129297830-A-C. GRCh37 (hg19) VCF-style: chr6-129618975-A-C.
Other names: c.3002A>C, p.His1001Pro (NM_001079823.2); c.3002A>C (NM_000426.3); short protein forms H1001P.
Identifiers: ClinVar variation 1045147 (VCV001045147.9), dbSNP rs554956654, ClinGen allele CA3993123.